The following is an entry in ClinVar:

NM_032656.4(DHX37):c.1372C>T (p.Arg458Trp)

Gene: DHX37 (DEAH-box helicase 37; minus strand). Cytogenetic location: 12q24.31.
Variant type: single nucleotide variant.
Coding change: c.1372C>T on transcript NM_032656.4 (MANE Select); coding-DNA position 1372, C replaced by T.
Protein change: p.Arg458Trp; replaces arginine 458 with tryptophan.
Molecular consequence: missense variant.
Genome position (GRCh38, 1-based): chr12:124,968,570, G>A on the plus strand (C>T on the coding strand, the complement: DHX37 is on the minus strand). VCF-style: chr12-124968570-G-A. GRCh37 (hg19) VCF-style: chr12-125453116-G-A.
Other names: short protein forms R458W.
Identifiers: ClinVar variation 2442709 (VCV002442709.3), dbSNP rs530897876, ClinGen allele CA6872060.

ClinVar aggregate classification (germline): Uncertain significance. Review status: criteria provided, multiple submitters, no conflicts (2 of 4 stars). 3 submissions from 3 submitters: Uncertain significance (3). Last evaluated 2022-09-06.

Conditions:
Neurodevelopmental disorder with brain anomalies and with or without vertebral or cardiac anomalies. Identifiers: MedGen C5231481, MONDO:0032888, OMIM 618731.

Allele frequency attached by ClinVar (database versions not stated): TOPMed 0.00004; gnomAD 0.00011; 1000 Genomes Project 30x 0.00016; 1000 Genomes Project 0.00020; gnomAD exomes 0.00020; ExAC 0.00043.
gnomAD v4.1: 309 of 1,613,948 alleles (0.019%); highest among the groups gnomAD compares: South Asian, 0.24%; 1 homozygote.

Submissions (3):

GeneDx
Classification: Uncertain significance. Last evaluated: 2022-09-06. Review status: criteria provided, single submitter. Criteria: GeneDx Variant Classification Process June 2021. Collection method: clinical testing. Allele origin: germline. Affected: yes.
Comment: In silico analysis supports that this missense variant has a deleterious effect on protein structure/function; Has not been previously published as pathogenic or benign to our knowledge

Clinical Genetics Laboratory, Skane University Hospital Lund
Classification: Uncertain significance. Last evaluated: 2022-05-27. Review status: criteria provided, single submitter. Criteria: ACMG Guidelines, 2015. Collection method: clinical testing. Allele origin: germline. Affected: yes.

Department of Pathology and Laboratory Medicine, Sinai Health System
Classification: Uncertain significance for neurodevelopmental disorder with brain anomalies and with or without vertebral or cardiac anomalies. Last evaluated: 2021-07-30. Review status: criteria provided, single submitter. Criteria: ACMG Guidelines, 2015. Collection method: research. Allele origin: germline.